The following is an entry in ClinVar:

NM_001029896.2(WDR45):c.667_668del (p.Gln223fs)

Gene: WDR45 (WD repeat domain 45; minus strand). Cytogenetic location: Xp11.23.
Variant type: Microsatellite.
Coding change: c.667_668del on transcript NM_001029896.2 (MANE Select); coding-DNA positions 667 to 668, 2 bases deleted (CA; older notation c.667_668delCA).
Protein change: p.Gln223fs; shifts the reading frame from glutamine 223.
Molecular consequence: frameshift variant.
Genome position (GRCh38, 1-based): chrX:49,075,602-49,075,603, TG deleted on the plus strand (CA on the coding strand, the reverse complement: WDR45 is on the minus strand); deleting any 2 consecutive bases within chrX:49,075,602-49,075,608 gives the same sequence; the c. name uses the placement nearest the transcript's 3' end. VCF-style (leftmost placement, unchanged base first): chrX-49075601-TTG-T. GRCh37 (hg19) VCF-style: chrX-48933260-TTG-T.
Other names: c.670_671delCA (NM_007075.3); c.670_671del, p.Gln224fs (NM_007075.4); c.670_671del (NM_007075.3); short protein forms Q223fs, Q224fs.
Identifiers: ClinVar variation 280866 (VCV000280866.11), dbSNP rs886041994, ClinGen allele CA10603486.

ClinVar aggregate classification (germline): Pathogenic. Review status: criteria provided, multiple submitters, no conflicts (2 of 4 stars). 2 submissions from 2 submitters: Pathogenic (2). Last evaluated 2024-11-15.

Conditions:
Neurodegeneration with brain iron accumulation 5 (NBIA5). Also called: STATIC ENCEPHALOPATHY OF CHILDHOOD WITH NEURODEGENERATION IN ADULTHOOD; Beta-propeller protein-associated neurodegeneration. Identifiers: Orphanet 329284, MedGen C3550973, MONDO:0010476, OMIM 300894.

Submissions (2):

GeneDx
Classification: Pathogenic. Last evaluated: 2024-11-15. Review status: criteria provided, single submitter. Criteria: GeneDx Variant Classification Process June 2021. Collection method: clinical testing. Allele origin: germline. Affected: yes.
Comment: Frameshift variant predicted to result in protein truncation or nonsense mediated decay in a gene for which loss of function is a known mechanism of disease; Not observed at significant frequency in large population cohorts (gnomAD); This variant is associated with the following publications: (PMID: 38113761, 33057194)

Labcorp Genetics (formerly Invitae), Labcorp
Classification: Pathogenic for Neurodegeneration with brain iron accumulation 5. Last evaluated: 2022-02-04. Review status: criteria provided, single submitter. Criteria: Invitae Variant Classification Sherloc (09022015). Collection method: clinical testing. Allele origin: germline.
Comment: This sequence change creates a premature translational stop signal (p.Gln224Ilefs*13) in the WDR45 gene. It is expected to result in an absent or disrupted protein product. Loss-of-function variants in WDR45 are known to be pathogenic (PMID: 23176820, 24368176, 24621584, 25744623, 26790960, 27030146, 27652284, 28554332). This variant is not present in population databases (gnomAD no frequency). This variant has not been reported in the literature in individuals affected with WDR45-related conditions. ClinVar contains an entry for this variant (Variation ID: 280866). For these reasons, this variant has been classified as Pathogenic.

Literature cited by the submitters: PubMed 23176820 (cited by Labcorp Genetics (formerly Invitae), Labcorp); PubMed 24368176 (cited by Labcorp Genetics (formerly Invitae), Labcorp); PubMed 24621584 (cited by Labcorp Genetics (formerly Invitae), Labcorp); PubMed 25744623 (cited by Labcorp Genetics (formerly Invitae), Labcorp); PubMed 26790960 (cited by Labcorp Genetics (formerly Invitae), Labcorp); PubMed 27030146 (cited by Labcorp Genetics (formerly Invitae), Labcorp); PubMed 27652284 (cited by Labcorp Genetics (formerly Invitae), Labcorp); PubMed 28554332 (cited by Labcorp Genetics (formerly Invitae), Labcorp).